The following is an entry in ClinVar:

NM_015047.3(EMC1):c.1360T>G (p.Cys454Gly)

Genes: EMC1-AS1 (EMC1 antisense RNA 1; plus strand), EMC1 (ER membrane protein complex subunit 1; minus strand). Cytogenetic location: 1p36.13.
Variant type: single nucleotide variant.
Coding change: c.1360T>G on transcript NM_015047.3 (MANE Select); coding-DNA position 1360, T replaced by G.
Protein change: p.Cys454Gly; replaces cysteine 454 with glycine.
Molecular consequence: missense variant.
Genome position (GRCh38, 1-based): chr1:19,235,202, A>C on the plus strand (T>G on the coding strand, the complement: EMC1 is on the minus strand). VCF-style: chr1-19235202-A-C. GRCh37 (hg19) VCF-style: chr1-19561696-A-C.
Other names: c.1357T>G, p.Cys453Gly (NM_001271427.2, NM_001271428.2, NM_001375821.1); c.1294T>G, p.Cys432Gly (NM_001271429.2); c.1360T>G, p.Cys454Gly (NM_001375820.1); c.1360T>G (NM_015047.1); short protein forms C432G, C454G, C453G.
Identifiers: ClinVar variation 1464034 (VCV001464034.7), dbSNP rs766014351, ClinGen allele CA652585.

ClinVar aggregate classification (germline): Uncertain significance. Review status: criteria provided, multiple submitters, no conflicts (2 of 4 stars). 2 submissions from 2 submitters: Uncertain significance (2). Last evaluated 2025-08-12.

Conditions:
Inborn genetic diseases. Identifiers: MedGen C0950123, MeSH D030342.

Allele frequency attached by ClinVar (database versions not stated): ExAC 0.00001; gnomAD 0.00001; gnomAD exomes 0.00001; TOPMed 0.00001.
gnomAD v4.1: 42 of 1,613,804 alleles (0.0026%); highest among the groups gnomAD compares: Non-Finnish European, 0.0032%; no homozygotes.

Submissions (2):

Ambry Genetics
Classification: Uncertain significance for Inborn genetic diseases. Last evaluated: 2025-08-12. Review status: criteria provided, single submitter. Criteria: Ambry Variant Classification Scheme 2023. Collection method: clinical testing. Allele origin: germline.

Labcorp Genetics (formerly Invitae), Labcorp
Classification: Uncertain significance. Last evaluated: 2023-07-16. Review status: criteria provided, single submitter. Criteria: Invitae Variant Classification Sherloc (09022015). Collection method: clinical testing. Allele origin: germline.
Comment: In summary, the available evidence is currently insufficient to determine the role of this variant in disease. Therefore, it has been classified as a Variant of Uncertain Significance. Advanced modeling of protein sequence and biophysical properties (such as structural, functional, and spatial information, amino acid conservation, physicochemical variation, residue mobility, and thermodynamic stability) performed at Invitae indicates that this missense variant is not expected to disrupt EMC1 protein function. ClinVar contains an entry for this variant (Variation ID: 1464034). This variant has not been reported in the literature in individuals affected with EMC1-related conditions. This variant is present in population databases (rs766014351, gnomAD 0.002%). This sequence change replaces cysteine, which is neutral and slightly polar, with glycine, which is neutral and non-polar, at codon 454 of the EMC1 protein (p.Cys454Gly).